The following is an entry in ClinVar:

NM_001127222.2(CACNA1A):c.2729T>A (p.Leu910Gln)

Gene: CACNA1A (calcium voltage-gated channel subunit alpha1 A; minus strand). Cytogenetic location: 19p13.13.
Variant type: single nucleotide variant.
Coding change: c.2729T>A on transcript NM_001127222.2 (MANE Select); coding-DNA position 2729, T replaced by A.
Protein change: p.Leu910Gln; replaces leucine 910 with glutamine.
Molecular consequence: missense variant.
Genome position (GRCh38, 1-based): chr19:13,298,904, A>T on the plus strand (T>A on the coding strand, the complement: CACNA1A is on the minus strand). VCF-style: chr19-13298904-A-T. GRCh37 (hg19) VCF-style: chr19-13409718-A-T.
Other names: c.2741T>A, p.Leu914Gln (NM_000068.4, NM_023035.3); c.2732T>A, p.Leu911Gln (NM_001127221.2, NM_001174080.2); short protein forms L911Q, L910Q, L914Q.
Identifiers: ClinVar variation 422580 (VCV000422580.5), dbSNP rs953766694, ClinGen allele CA16620792.

ClinVar aggregate classification (germline): Uncertain significance. Review status: criteria provided, multiple submitters, no conflicts (2 of 4 stars). 2 submissions from 2 submitters: Uncertain significance (2). Last evaluated 2026-01-26.

Conditions:
Episodic ataxia type 2 (EA2). Also called: ATAXIA, EPISODIC, WITH NYSTAGMUS; ATAXIA, FAMILIAL PAROXYSMAL; CEREBELLAR ATAXIA, PAROXYSMAL, ACETAZOLAMIDE-RESPONSIVE; CEREBELLOPATHY, HEREDITARY PAROXYSMAL; EPISODIC ATAXIA, NYSTAGMUS-ASSOCIATED; ACETAZOLAMIDE-RESPONSIVE HEREDITARY PAROXYSMAL CEREBELLAR ATAXIA. Identifiers: Orphanet 97, MedGen C1720416, MONDO:0007163, OMIM 108500.
Developmental and epileptic encephalopathy, 42 (DEE42A). Also called: Epileptic encephalopathy, early infantile, 42; DEVELOPMENTAL AND EPILEPTIC ENCEPHALOPATHY 42A; EPILEPTIC ENCEPHALOPATHY, EARLY INFANTILE, 42A. Identifiers: MedGen C4310716, MONDO:0014917, OMIM 617106.

gnomAD v4.1: 2 of 1,594,742 alleles (0.00013%); highest among the groups gnomAD compares: Admixed American, 0.0017%; no homozygotes.

Submissions (2):

Labcorp Genetics (formerly Invitae), Labcorp
Classification: Uncertain significance for Developmental and epileptic encephalopathy, 42; Episodic ataxia type 2. Last evaluated: 2026-01-26. Review status: criteria provided, single submitter. Criteria: Invitae Variant Classification Sherloc (09022015). Collection method: clinical testing. Allele origin: germline.
Comment: This sequence change replaces leucine, which is neutral and non-polar, with glutamine, which is neutral and polar, at codon 911 of the CACNA1A protein (p.Leu911Gln). This variant is not present in population databases (gnomAD no frequency). This variant has not been reported in the literature in individuals affected with CACNA1A-related conditions. ClinVar contains an entry for this variant (Variation ID: 422580). Invitae Evidence Modeling of protein sequence and biophysical properties (such as structural, functional, and spatial information, amino acid conservation, physicochemical variation, residue mobility, and thermodynamic stability) indicates that this missense variant is not expected to disrupt CACNA1A protein function with a negative predictive value of 95%. In summary, the available evidence is currently insufficient to determine the role of this variant in disease. Therefore, it has been classified as a Variant of Uncertain Significance.

GeneDx
Classification: Uncertain significance. Last evaluated: 2016-10-25. Review status: criteria provided, single submitter. Criteria: GeneDx Variant Classification (06012015). Collection method: clinical testing. Allele origin: germline. Affected: yes.
Comment: A variant of uncertain significance has been identified in the CACNA1A gene. The L911Q variant has not been published as a pathogenic variant, nor has it been reported as a benign variant to our knowledge. It was not observed in approximately 5,600 individuals of European and African American ancestry in the NHLBI Exome Sequencing Project, indicating it is not a common benign variant in these populations. The L911Q variant is a non-conservative amino acid substitution, which is likely to impact secondary protein structure as these residues differ in polarity, charge, size and/or other properties. However, this substitution occurs at a position that is not conserved, and in silico analysis predicts this variant likely does not alter the protein structure/function. Therefore, based on the currently available information, it is unclear whether this variant is a pathogenic variant or a rare benign variant.